The following is an entry in ClinVar:

ClinVar aggregate classification (germline): Benign (1 of 4 stars; one submission).

Conditions:
Mucopolysaccharidosis, MPS-III-C (MPS3C). Also called: mucopolysaccharidosis type 3C; MUCOPOLYSACCHARIDOSIS, TYPE IIIC; SANFILIPPO SYNDROME C; MPS III C; Mucopolysaccharidosis type IIIC (Sanfilippo C); MPS IIIC (Sanfilippo Syndrome Type C). Identifiers: Orphanet 581, Orphanet 79271, MedGen C0086649, MONDO:0009657, OMIM 252930.

Allele frequency attached by ClinVar (database versions not stated): 1000 Genomes Project 0.00899; gnomAD 0.00863 and 0.00805; 1000 Genomes Project 30x 0.00921; TOPMed 0.00900.

Submission:

Illumina Laboratory Services, Illumina
Classification: Benign for Mucopolysaccharidosis, MPS-III-C. Last evaluated: 2018-01-12. Review status: criteria provided, single submitter. Criteria: ICSL Variant Classification Criteria 13 December 2019. Collection method: clinical testing. Allele origin: germline.
Comment: This variant was observed in the ICSL laboratory as part of a predisposition screen in an ostensibly healthy population. It had not been previously curated by ICSL or reported in the Human Gene Mutation Database (HGMD: prior to June 1st, 2018), and was therefore a candidate for classification through an automated scoring system. Utilizing variant allele frequency, disease prevalence and penetrance estimates, and inheritance mode, an automated score was calculated to assess if this variant is too frequent to cause the disease. Based on the score and internal cut-off values, a variant classified as benign is not then subjected to further curation. The score for this variant resulted in a classification of benign for this disease.

NM_152419.3(HGSNAT):c.*733G>T

Gene: HGSNAT (heparan-alpha-glucosaminide N-acetyltransferase; plus strand). Cytogenetic location: 8p11.1.
Variant type: single nucleotide variant.
Coding change: c.*733G>T on transcript NM_152419.3 (MANE Select); 733 bases downstream of the stop codon, G replaced by T.
Molecular consequence: 3 prime UTR variant.
Genome position (GRCh38, 1-based): chr8:43,200,302, G>T. VCF-style: chr8-43200302-G-T. GRCh37 (hg19) VCF-style: chr8-43055445-G-T.
Other names: c.*733G>T (NM_001363227.2, NM_001363228.2, NM_001363229.2).
Identifiers: ClinVar variation 909620 (VCV000909620.4), dbSNP rs139144727, ClinGen allele CA176077345.